The following is an entry in ClinVar:

NM_000289.6(PFKM):c.293G>A (p.Arg98Gln)

Gene: PFKM (phosphofructokinase, muscle; plus strand). Cytogenetic location: 12q13.11.
Variant type: single nucleotide variant.
Coding change: c.293G>A on transcript NM_000289.6 (MANE Select); coding-DNA position 293, G replaced by A.
Protein change: p.Arg98Gln; replaces arginine 98 with glutamine.
Molecular consequence: missense variant. On other transcripts: non-coding transcript variant (6).
Genome position (GRCh38, 1-based): chr12:48,132,923, G>A. VCF-style: chr12-48132923-G-A. GRCh37 (hg19) VCF-style: chr12-48526706-G-A.
Other names: c.293G>A (NM_000289.5); c.506G>A, p.Arg169Gln (NM_001166686.2, NM_001354737.1, NM_001354738.1 and 1 more transcripts); c.293G>A, p.Arg98Gln (NM_001166687.2, NM_001166688.2, NM_001354742.2 and 4 more transcripts); c.602G>A, p.Arg201Gln (NM_001354735.1, NM_001354736.1); c.437G>A, p.Arg146Gln (NM_001354740.1); c.317G>A, p.Arg106Gln (NM_001354741.2); c.206G>A, p.Arg69Gln (NM_001354745.2); c.143G>A, p.Arg48Gln (NM_001354747.2, NM_001354748.2); short protein forms R48Q, R201Q, R69Q, R146Q, R98Q, R106Q, R169Q.
Identifiers: ClinVar variation 1965364 (VCV001965364.3), dbSNP rs1243125160, ClinGen allele CA384541728.
Genomic context (GRCh38, chr12:48,132,923, plus strand): 5'-CAAAGGGAGGCACGGTGATTGGAAGTGCCCGGTGCAAGGACTTTCGGGAACGAGAAGGAC[G>A]ACTCCGAGCTGCCTACAACCTGGTGAAGCGTGGGATCACCAATCTCTGTGTCATTGGGGG-3'
Protein context (NP_000280.1, residues 88-108): RCKDFREREG[Arg98Gln]LRAAYNLVKR

ClinVar aggregate classification (germline): Uncertain significance. Review status: criteria provided, single submitter (1 of 4 stars). 2 submissions from 2 submitters: Uncertain significance (1). 1 of the submissions does not count toward it. Last evaluated 2022-01-21.

Conditions:
PFKM-related disorder. Also called: PFKM-related condition.
Glycogen storage disease, type VII (GSD7). Also called: PFKM DEFICIENCY; TARUI DISEASE; GSD VII; MUSCLE PHOSPHOFRUCTOKINASE DEFICIENCY. Identifiers: Orphanet 371, MedGen C0017926, MONDO:0009295, OMIM 232800.

Allele frequency attached by ClinVar (database versions not stated): gnomAD exomes below 0.00001; gnomAD 0.00001; TOPMed 0.00001.
gnomAD v4.1: 9 of 1,614,044 alleles (0.00056%); highest among the groups gnomAD compares: African/African-American, 0.0013%; no homozygotes.

Submissions (2):

Labcorp Genetics (formerly Invitae), Labcorp
Classification: Uncertain significance for Glycogen storage disease, type VII. Last evaluated: 2022-01-21. Review status: criteria provided, single submitter. Criteria: Invitae Variant Classification Sherloc (09022015). Collection method: clinical testing. Allele origin: germline.
Comment: This sequence change replaces arginine, which is basic and polar, with glutamine, which is neutral and polar, at codon 98 of the PFKM protein (p.Arg98Gln). This variant is present in population databases (no rsID available, gnomAD 0.01%). This variant has not been reported in the literature in individuals affected with PFKM-related conditions. Algorithms developed to predict the effect of missense changes on protein structure and function are either unavailable or do not agree on the potential impact of this missense change (SIFT: "Deleterious"; PolyPhen-2: "Probably Damaging"; Align-GVGD: "Class C0"). In summary, the available evidence is currently insufficient to determine the role of this variant in disease. Therefore, it has been classified as a Variant of Uncertain Significance.

PreventionGenetics, part of Exact Sciences
Classification: Uncertain significance for PFKM-related condition. Last evaluated: 2024-09-18. Review status: no assertion criteria provided. Collection method: clinical testing. Allele origin: germline. Not counted in ClinVar's aggregate classification.
Comment: The PFKM c.293G>A variant is predicted to result in the amino acid substitution p.Arg98Gln. To our knowledge, this variant has not been reported in the literature. This variant is reported in 0.011% of alleles in individuals of African descent in gnomAD. At this time, the clinical significance of this variant is uncertain due to the absence of conclusive functional and genetic evidence.